The following is an entry in ClinVar:

NM_001348323.3(TRIP12):c.1113G>A (p.Thr371=)

Gene: TRIP12 (thyroid hormone receptor interactor 12; minus strand). Cytogenetic location: 2q36.3.
Variant type: single nucleotide variant.
Coding change: c.1113G>A on transcript NM_001348323.3 (MANE Select); coding-DNA position 1113, G replaced by A.
Protein change: p.Thr371=; no amino-acid change (threonine 371 retained).
Molecular consequence: synonymous variant. On other transcripts: intron variant (1).
Genome position (GRCh38, 1-based): chr2:229,840,842, C>T on the plus strand (G>A on the coding strand, the complement: TRIP12 is on the minus strand). VCF-style: chr2-229840842-C-T. GRCh37 (hg19) VCF-style: chr2-230705558-C-T.
Other names: c.1113G>A, p.Thr371= (NM_001284214.2, NM_001348315.2, NM_001348319.1 and 13 more transcripts); c.987G>A, p.Thr329= (NM_001284215.2, NM_001348316.2, NM_001348317.1 and 3 more transcripts); c.1026G>A, p.Thr342= (NM_001348332.1, NM_001348334.1); c.99-3858G>A (NM_001284216.2).
Identifiers: ClinVar variation 3047176 (VCV003047176.2), dbSNP rs376542085, ClinGen allele CA66704944.

ClinVar aggregate classification (germline): Likely benign (0 of 4 stars; one submission).

Conditions:
TRIP12-related disorder. Also called: TRIP12-related condition.

Allele frequency attached by ClinVar (database versions not stated): gnomAD 0.00001; gnomAD exomes 0.00001; TOPMed 0.00001; ESP Exome Variant Server 0.00008.
gnomAD v4.1: 12 of 1,599,746 alleles (0.00075%); highest among the groups gnomAD compares: Admixed American, 0.0018%; no homozygotes.

Submission:

PreventionGenetics, part of Exact Sciences
Classification: Likely benign for TRIP12-related condition. Last evaluated: 2019-03-14. Review status: no assertion criteria provided. Collection method: clinical testing. Allele origin: germline.
Comment: This variant is classified as likely benign based on ACMG/AMP sequence variant interpretation guidelines (Richards et al. 2015 PMID: 25741868, with internal and published modifications).